The following is an entry in ClinVar:

NM_014874.4(MFN2):c.1691G>A (p.Arg564Gln)

Genes: MFN2 (mitofusin 2; plus strand), LOC129929426 (ATAC-STARR-seq lymphoblastoid active region 185; plus strand). Cytogenetic location: 1p36.22.
Variant type: single nucleotide variant.
Coding change: c.1691G>A on transcript NM_014874.4 (MANE Select); coding-DNA position 1691, G replaced by A.
Protein change: p.Arg564Gln; replaces arginine 564 with glutamine.
Molecular consequence: missense variant.
Genome position (GRCh38, 1-based): chr1:12,005,906, G>A. VCF-style: chr1-12005906-G-A. GRCh37 (hg19) VCF-style: chr1-12065963-G-A.
Other names: c.1691G>A, p.Arg564Gln (NM_001127660.2); short protein forms R564Q.
Identifiers: ClinVar variation 1360243 (VCV001360243.11), dbSNP rs746213217, ClinGen allele CA599173.
Genomic context (GRCh38, chr1:12,005,906, plus strand): 5'-ATTTCTCTCTCGGATGGACCATGCTGGTGAATAGGTTCCTGGGCCCCAAGAACAGCCGTC[G>A]GGCCTTGATGGGCTACAATGACCAGGCAAGCAAAGTTCCTCACCTCAAGGGCATTGTGGG-3'
Protein context (NP_055689.1, residues 554-574): NRFLGPKNSR[Arg564Gln]ALMGYNDQVQ

ClinVar aggregate classification (germline): Uncertain significance. Review status: criteria provided, multiple submitters, no conflicts (2 of 4 stars). 3 submissions from 3 submitters: Uncertain significance (3). Last evaluated 2025-12-24.

Conditions:
Charcot-Marie-Tooth disease type 2. Also called: Charcot-Marie-Tooth type 2. Identifiers: Orphanet 64746, MedGen C0270914, MONDO:0018993.

Allele frequency attached by ClinVar (database versions not stated): ExAC 0.00001; gnomAD 0.00001; TOPMed 0.00001.
gnomAD v4.1: 5 of 1,613,584 alleles (0.00031%); highest among the groups gnomAD compares: Admixed American, 0.0017%; no homozygotes.

Submissions (3):

Dasa
Classification: Uncertain significance. Last evaluated: 2025-12-24. Review status: criteria provided, single submitter. Criteria: DASA Assertion Criteria. Collection method: clinical testing. Allele origin: germline.
Comment: NM_014874.4(MFN2):c.1691G>A (p.Arg564Gln) is a missense variant that results in the substitution of arginine with glutamine. This variant has been reported in individuals with MFN2-related disorders (PMID: 36268024). Also, this variant is rare in population databases. The currently available literature and clinical evidence are not sufficient to establish a definitive association between this variant and the reported condition. Therefore, this variant is classified as a variant of uncertain significance.

Labcorp Genetics (formerly Invitae), Labcorp
Classification: Uncertain significance for Charcot-Marie-Tooth disease type 2. Last evaluated: 2023-06-04. Review status: criteria provided, single submitter. Criteria: Invitae Variant Classification Sherloc (09022015). Collection method: clinical testing. Allele origin: germline.
Comment: In summary, the available evidence is currently insufficient to determine the role of this variant in disease. Therefore, it has been classified as a Variant of Uncertain Significance. This sequence change replaces arginine, which is basic and polar, with glutamine, which is neutral and polar, at codon 564 of the MFN2 protein (p.Arg564Gln). This variant is present in population databases (rs746213217, gnomAD 0.004%). This variant has not been reported in the literature in individuals affected with MFN2-related conditions. ClinVar contains an entry for this variant (Variation ID: 1360243). Advanced modeling of protein sequence and biophysical properties (such as structural, functional, and spatial information, amino acid conservation, physicochemical variation, residue mobility, and thermodynamic stability) has been performed at Invitae for this missense variant, however the output from this modeling did not meet the statistical confidence thresholds required to predict the impact of this variant on MFN2 protein function.

Blueprint Genetics
Classification: Uncertain significance. Last evaluated: 2021-12-27. Review status: criteria provided, single submitter. Criteria: ACMG Guidelines, 2015. Collection method: clinical testing. Allele origin: germline.

Literature cited by the submitters: PubMed 36268024 (cited by Dasa).